The following is an entry in ClinVar:

NM_000138.5(FBN1):c.5066-13_5066-12delinsTAT

Gene: FBN1 (fibrillin 1; minus strand). Cytogenetic location: 15q21.1.
Variant type: Indel.
Coding change: c.5066-13_5066-12delinsTAT on transcript NM_000138.5 (MANE Select); 13 bases into the intron before coding-DNA position 5066 through 12 bases into the intron before coding-DNA position 5066, AC replaced by TAT.
Molecular consequence: intron variant.
Genome position (GRCh38, 1-based): chr15:48,463,252-48,463,253, GT replaced by ATA on the plus strand (AC replaced by TAT on the coding strand, the reverse complement: FBN1 is on the minus strand). VCF-style: chr15-48463252-GT-ATA. GRCh37 (hg19) VCF-style: chr15-48755449-GT-ATA.
Identifiers: ClinVar variation 924369 (VCV000924369.3), dbSNP rs2043294261, ClinGen allele CA1139663939.

ClinVar aggregate classification (germline): Uncertain significance (1 of 4 stars; one submission).

Conditions:
Familial thoracic aortic aneurysm and aortic dissection (TAAD). Also called: Thoracic aortic aneurysms and dissections. Identifiers: Orphanet 91387, MedGen C4707243, MONDO:0019625.

Submission:

Color Diagnostics, LLC DBA Color Health
Classification: Uncertain significance for Familial thoracic aortic aneurysm and aortic dissection. Last evaluated: 2019-09-15. Review status: criteria provided, single submitter. Criteria: ACMG Guidelines, 2015. Collection method: clinical testing. Allele origin: germline.
Comment: This variant replaces AC nucleotides with TAT at -13 and -12 positions in intron 41 of the FBN1 gene. To our knowledge, functional studies have not been performed for this variant. This variant has not been reported in individuals affected with cardiovascular disorders in the literature. This variant has not been identified in the general population by the Genome Aggregation Database (gnomAD). The available evidence is insufficient to determine the role of this variant in disease conclusively. Therefore, this variant is classified as a Variant of Uncertain Significance.